The following is an entry in ClinVar:

NM_001378615.1(CC2D2A):c.3739C>T (p.Gln1247Ter)

Genes: CC2D2A (coiled-coil and C2 domain containing 2A; plus strand), FBXL5 (F-box and leucine rich repeat protein 5; minus strand). Cytogenetic location: 4p15.32.
Variant type: single nucleotide variant.
Coding change: c.3739C>T on transcript NM_001378615.1 (MANE Select); coding-DNA position 3739, C replaced by T.
Protein change: p.Gln1247Ter; replaces glutamine 1247 with a stop codon.
Molecular consequence: nonsense.
Genome position (GRCh38, 1-based): chr4:15,574,294, C>T. VCF-style: chr4-15574294-C-T. GRCh37 (hg19) VCF-style: chr4-15575917-C-T.
Other names: c.3739C>T, p.Gln1247Ter (NM_001080522.2); c.3592C>T, p.Gln1198Ter (NM_001378617.1); short protein forms Q1247*, Q1198*.
Identifiers: ClinVar variation 2945872 (VCV002945872.3), dbSNP rs2475093374, ClinGen allele CA356424062.

ClinVar aggregate classification (germline): Pathogenic (1 of 4 stars; one submission).

Conditions:
Joubert syndrome. Also called: JOUBERT-BOLTSHAUSER SYNDROME; Familial aplasia of the vermis. Identifiers: Orphanet 475, MedGen C5979921, MONDO:0018772.
Meckel-Gruber syndrome. Also called: DYSENCEPHALIA SPLANCHNOCYSTICA; GRUBER SYNDROME; Dysencephalia splachnocystica. Identifiers: Orphanet 564, MedGen C0265215, MONDO:0018921.

Submission:

Labcorp Genetics (formerly Invitae), Labcorp
Classification: Pathogenic for Joubert syndrome; Meckel-Gruber syndrome. Last evaluated: 2023-03-27. Review status: criteria provided, single submitter. Criteria: Invitae Variant Classification Sherloc (09022015). Collection method: clinical testing. Allele origin: germline.
Comment: This variant has not been reported in the literature in individuals affected with CC2D2A-related conditions. For these reasons, this variant has been classified as Pathogenic. This variant is not present in population databases (gnomAD no frequency). This sequence change creates a premature translational stop signal (p.Gln1247*) in the CC2D2A gene. It is expected to result in an absent or disrupted protein product. Loss-of-function variants in CC2D2A are known to be pathogenic (PMID: 19777577).

Literature cited by the submitters: PubMed 19777577.